The following is an entry in ClinVar:

NM_015627.3(LDLRAP1):c.556A>G (p.Ser186Gly)

Gene: LDLRAP1 (low density lipoprotein receptor adaptor protein 1; plus strand). Cytogenetic location: 1p36.11.
Variant type: single nucleotide variant.
Coding change: c.556A>G on transcript NM_015627.3 (MANE Select); coding-DNA position 556, A replaced by G.
Protein change: p.Ser186Gly; replaces serine 186 with glycine.
Molecular consequence: missense variant.
Genome position (GRCh38, 1-based): chr1:25,563,093, A>G. VCF-style: chr1-25563093-A-G. GRCh37 (hg19) VCF-style: chr1-25889584-A-G.
Other names: short protein forms S186G.
Identifiers: ClinVar variation 3290414 (VCV003290414.1).
Genomic context (GRCh38, chr1:25,563,093, plus strand): 5'-GTCTGAGGCTCCAACATGTTGTGCCTTGGTCCTGCAGAGAAAGAGAAGAGGGACAAAGCC[A>G]GCCAAGAGGGAGGGGACGTCCTGGGGGCCCGCCAAGACTGCACCCCCTCCTTGAAGAGCT-3'
Protein context (NP_056442.2, residues 176-196): KEEKEKRDKA[Ser186Gly]QEGGDVLGAR

ClinVar aggregate classification (germline): Uncertain significance (1 of 4 stars; one submission).

Conditions:
Cardiovascular phenotype. Identifiers: MedGen CN230736.

Submission:

Ambry Genetics
Classification: Uncertain significance for Cardiovascular phenotype. Last evaluated: 2024-03-20. Review status: criteria provided, single submitter. Criteria: Ambry Variant Classification Scheme 2023. Collection method: clinical testing. Allele origin: germline.
Comment: The p.S186G variant (also known as c.556A>G), located in coding exon 6 of the LDLRAP1 gene, results from an A to G substitution at nucleotide position 556. The serine at codon 186 is replaced by glycine, an amino acid with similar properties. This amino acid position is conserved. In addition, this alteration is predicted to be tolerated by in silico analysis. Based on the available evidence, the clinical significance of this alteration remains unclear.